The following is an entry in ClinVar:

ClinVar aggregate classification (germline): Uncertain significance. Review status: criteria provided, multiple submitters, no conflicts (2 of 4 stars). 2 submissions from 2 submitters: Uncertain significance (2). Last evaluated 2025-11-23.

Conditions:
Inborn genetic diseases. Identifiers: MedGen C0950123, MeSH D030342.

Allele frequency attached by ClinVar (database versions not stated): gnomAD exomes 0.00005; gnomAD 0.00001; TOPMed 0.00004.

Submissions (2):

Labcorp Genetics (formerly Invitae), Labcorp
Classification: Uncertain significance. Last evaluated: 2025-11-23. Review status: criteria provided, single submitter. Criteria: Invitae Variant Classification Sherloc (09022015). Collection method: clinical testing. Allele origin: germline.
Comment: This sequence change replaces proline, which is neutral and non-polar, with leucine, which is neutral and non-polar, at codon 41 of the COL9A2 protein (p.Pro41Leu). This variant is present in population databases (no rsID available, gnomAD 0.03%). This variant has not been reported in the literature in individuals affected with COL9A2-related conditions. ClinVar contains an entry for this variant (Variation ID: 1480073). Invitae Evidence Modeling of protein sequence and biophysical properties (such as structural, functional, and spatial information, amino acid conservation, physicochemical variation, residue mobility, and thermodynamic stability) indicates that this missense variant is not expected to disrupt COL9A2 protein function with a negative predictive value of 95%. In summary, the available evidence is currently insufficient to determine the role of this variant in disease. Therefore, it has been classified as a Variant of Uncertain Significance.

Ambry Genetics
Classification: Uncertain significance for Inborn genetic diseases. Last evaluated: 2025-06-06. Review status: criteria provided, single submitter. Criteria: Ambry Variant Classification Scheme 2023. Collection method: clinical testing. Allele origin: germline.

NM_001852.4(COL9A2):c.122C>T (p.Pro41Leu)

Genes: COL9A2 (collagen type IX alpha 2 chain; minus strand), LOC129930261 (ATAC-STARR-seq lymphoblastoid silent region 724; plus strand). Cytogenetic location: 1p34.2.
Variant type: single nucleotide variant.
Coding change: c.122C>T on transcript NM_001852.4 (MANE Select); coding-DNA position 122, C replaced by T.
Protein change: p.Pro41Leu; replaces proline 41 with leucine.
Molecular consequence: missense variant.
Genome position (GRCh38, 1-based): chr1:40,315,618, G>A on the plus strand (C>T on the coding strand, the complement: COL9A2 is on the minus strand). VCF-style: chr1-40315618-G-A. GRCh37 (hg19) VCF-style: chr1-40781290-G-A.
Other names: c.122C>T (NM_001852.3); short protein forms P41L.
Identifiers: ClinVar variation 1480073 (VCV001480073.8), dbSNP rs1439694553, ClinGen allele CA339859691.
Genomic context (GRCh38, chr1:40,315,618, plus strand): 5'-CCTCCCGCCCTGGTCTCAGGTTAGAGACTTACGTCGATGCCGTCGGATCCAGGCACTCCC[G>A]GCGGTCCCGGGGGACCCGGGGGGCCCCGCTCTCCCGGTGGACCTCTCTGAAAAACACACA-3'
Protein context (NP_001843.1, residues 31-51): ERGPPGPPGP[Pro41Leu]GVPGSDGIDG